The following is an entry in ClinVar:

ClinVar aggregate classification (germline): Likely benign (0 of 4 stars; one submission).

Conditions:
COLGALT1-related disorder. Also called: COLGALT1-related condition.

gnomAD v4.1: 435 of 1,551,724 alleles (0.028%); highest among the groups gnomAD compares: Non-Finnish European, 0.037%; no homozygotes.

Submission:

PreventionGenetics, part of Exact Sciences
Classification: Likely benign for COLGALT1-related condition. Last evaluated: 2024-05-20. Review status: no assertion criteria provided. Collection method: clinical testing. Allele origin: germline.
Comment: This variant is classified as likely benign based on ACMG/AMP sequence variant interpretation guidelines (Richards et al. 2015 PMID: 25741868, with internal and published modifications).

NM_024656.4(COLGALT1):c.270G>A (p.Thr90=)

Gene: COLGALT1 (collagen beta(1-O)galactosyltransferase 1; plus strand). Cytogenetic location: 19p13.11.
Variant type: single nucleotide variant.
Coding change: c.270G>A on transcript NM_024656.4 (MANE Select); coding-DNA position 270, G replaced by A.
Protein change: p.Thr90=; no amino-acid change (threonine 90 retained).
Molecular consequence: synonymous variant.
Genome position (GRCh38, 1-based): chr19:17,559,320, G>A. VCF-style: chr19-17559320-G-A. GRCh37 (hg19) VCF-style: chr19-17670129-G-A.
Identifiers: ClinVar variation 3352415 (VCV003352415.1).